The following is an entry in ClinVar:

NM_000169.3(GLA):c.640-1G>A

Genes: RPL36A-HNRNPH2 (RPL36A-HNRNPH2 readthrough; plus strand), GLA (galactosidase alpha; minus strand). Cytogenetic location: Xq22.1.
Variant type: single nucleotide variant.
Coding change: c.640-1G>A on transcript NM_000169.3 (MANE Select); the canonical splice acceptor site of the intron before coding-DNA position 640, G replaced by A.
Molecular consequence: splice acceptor variant. On other transcripts: intron variant (2).
Genome position (GRCh38, 1-based): chrX:101,398,947, C>T on the plus strand (G>A on the coding strand, the complement: GLA is on the minus strand). VCF-style: chrX-101398947-C-T. GRCh37 (hg19) VCF-style: chrX-100653935-C-T.
Other names: c.300+3490C>T (NM_001199973.2); c.177+7125C>T (NM_001199974.2); c.763-1G>A (NM_001406747.1); c.640-1G>A (NM_001406748.1).
Identifiers: ClinVar variation 597544 (VCV000597544.27), dbSNP rs398123216, ClinGen allele CA413925176.
Genomic context (GRCh38, chrX:101,398,947, plus strand): 5'-ATCAATGTCAGCAAAATTTCGCCAGTGATTGCAGTACTGTCGGATTTCTGTATAATTGGG[C>T]TGTGAAAACAGATATGACTCTTCTGTTTACTTTCTACTAACATCCTTGTGAGATGAAAAC-3'

ClinVar aggregate classification (germline): Pathogenic. Review status: criteria provided, multiple submitters, no conflicts (2 of 4 stars). 7 submissions from 7 submitters: Pathogenic (7). Last evaluated 2026-09-08.

Conditions:
Fabry disease. Also called: Fabry's disease; Angiokeratoma corporis diffusum; ALPHA-GALACTOSIDASE A DEFICIENCY; ANDERSON-FABRY DISEASE; CERAMIDE TRIHEXOSIDASE DEFICIENCY; GLA DEFICIENCY. Identifiers: Orphanet 324, MedGen C0002986, MONDO:0010526, OMIM 301500, HP:0001071. Disease mechanism: loss of function, Fabry disease is due to inactivating mutations in the X-linked GLA gene resulting in deficiency of the enzyme Alpha Galactosidase-A..

Submissions (7):

Genomenon, Inc
Classification: Pathogenic for Fabry disease. Last evaluated: 2026-09-08. Review status: criteria provided, single submitter. Criteria: Genomenon Sequence Variant Interpretation Standards - Updated. Collection method: curation. Allele origin: germline. Affected: yes.
Comment: GLA c.640-1G>A is a canonical splice variant affecting the acceptor splice site of intron 4. It is predicted to affect mRNA splicing, leading to a deleterious effect on the GLA protein. This variant has been observed in at least one proband with clinical features consistent with Fabry disease (PMID:31392112;16595074;26631895). A de novo occurrence of this variant has been observed in at least one affected individual (PMID:26631895). Functional or patient cell studies have been reported (PMID:31392112;18698230;31213654). It is absent or not present at a significant frequency in gnomAD. In conclusion, we classify GLA c.640-1G>A as a pathogenic variant.

Labcorp Genetics (formerly Invitae), Labcorp
Classification: Pathogenic for Fabry disease. Last evaluated: 2024-08-03. Review status: criteria provided, single submitter. Criteria: Invitae Variant Classification Sherloc (09022015). Collection method: clinical testing. Allele origin: germline.
Comment: This sequence change affects an acceptor splice site in intron 4 of the GLA gene. It is expected to disrupt RNA splicing. Variants that disrupt the donor or acceptor splice site typically lead to a loss of protein function (PMID: 16199547), and loss-of-function variants in GLA are known to be pathogenic (PMID: 10666480, 12175777). This variant is not present in population databases (gnomAD no frequency). Disruption of this splice site has been observed in individual(s) with Fabry disease (PMID: 16595074, 26631895). In at least one individual the variant was observed to be de novo. ClinVar contains an entry for this variant (Variation ID: 597544). Algorithms developed to predict the effect of sequence changes on RNA splicing suggest that this variant may disrupt the consensus splice site. For these reasons, this variant has been classified as Pathogenic.

Women's Health and Genetics/Laboratory Corporation of America, LabCorp
Classification: Pathogenic for Fabry disease. Last evaluated: 2023-03-13. Review status: criteria provided, single submitter. Criteria: LabCorp Variant Classification Summary - May 2015. Collection method: clinical testing. Allele origin: germline.
Comment: Variant summary: GLA c.640-1G>A is located in a canonical splice-site and is predicted to affect mRNA splicing resulting in a significantly altered protein due to either exon skipping, shortening, or inclusion of intronic material. Several computational tools predict a significant impact on normal splicing: Three predict the variant abolishes the canonical 3' acceptor site. However, these predictions have yet to be confirmed by functional studies. The variant was absent in 183379 control chromosomes (gnomAD). c.640-1G>A has been reported in the literature in multiple individuals affected with Fabry Disease (example: Shabbeer_2006, Sawada_2015, Pensabene_2016, and Frabasil_2019). These data indicate that the variant is very likely to be associated with disease. To our knowledge, no experimental evidence demonstrating an impact on protein function has been reported. Five clinical diagnostic laboratories have submitted clinical-significance assessments for this variant to ClinVar after 2014 and all classified the variant as pathogenic. Based on the evidence outlined above, the variant was classified as pathogenic.

Fulgent Genetics
Classification: Pathogenic for Fabry disease. Last evaluated: 2021-12-02. Review status: criteria provided, single submitter. Criteria: ACMG Guidelines, 2015. Collection method: clinical testing. Allele origin: unknown.

Genome-Nilou Lab
Classification: Pathogenic for Fabry disease. Last evaluated: 2021-07-15. Review status: criteria provided, single submitter. Criteria: ACMG Guidelines, 2015. Collection method: clinical testing. Allele origin: germline. Affected: no.

Revvity Omics, Revvity
Classification: Pathogenic. Last evaluated: 2019-01-17. Review status: criteria provided, single submitter. Criteria: ACMG Guidelines, 2015. Collection method: clinical testing. Allele origin: germline.

Eurofins Ntd Llc (ga)
Classification: Pathogenic. Last evaluated: 2018-06-08. Review status: criteria provided, single submitter. Criteria: EGL ClinVar v180209 classification definitions. Collection method: clinical testing. Allele origin: germline.

Literature cited by the submitters: PubMed 31392112 (cited by Genomenon, Inc and Women's Health and Genetics/Laboratory Corporation of America, LabCorp); PubMed 16595074 (cited by 3 submitters); PubMed 26631895 (cited by 3 submitters); PubMed 18698230 (cited by Genomenon, Inc); PubMed 31213654 (cited by Genomenon, Inc); PubMed 16199547 (cited by Labcorp Genetics (formerly Invitae), Labcorp); PubMed 10666480 (cited by Labcorp Genetics (formerly Invitae), Labcorp); PubMed 12175777 (cited by Labcorp Genetics (formerly Invitae), Labcorp); PubMed 26880903 (cited by Women's Health and Genetics/Laboratory Corporation of America, LabCorp).